The following is an entry in ClinVar:

ClinVar aggregate classification (germline): Uncertain significance (1 of 4 stars; one submission).

Conditions:
Hereditary cancer-predisposing syndrome. Also called: Hereditary Cancer Syndrome; Hereditary neoplastic syndrome; Neoplastic Syndromes, Hereditary; Tumor predisposition. Identifiers: Orphanet 140162, MedGen C0027672, MeSH D009386, MONDO:0015356.

Submission:

Ambry Genetics
Classification: Uncertain significance for Hereditary cancer-predisposing syndrome. Last evaluated: 2022-09-28. Review status: criteria provided, single submitter. Criteria: Ambry Variant Classification Scheme 2023. Collection method: clinical testing. Allele origin: germline.
Comment: The p.I473T variant (also known as c.1418T>C) is located in coding exon 16 of the CDC73 gene. The isoleucine at codon 473 is replaced by threonine, an amino acid with similar properties. This change occurs in the first base pair of coding exon 16. This amino acid position is conserved. In addition, this alteration is predicted to be deleterious by in silico analysis. Since supporting evidence is limited at this time, the clinical significance of this alteration remains unclear.

NM_024529.5(CDC73):c.1418T>C (p.Ile473Thr)

Gene: CDC73 (cell division cycle 73; plus strand). Cytogenetic location: 1q31.2.
Variant type: single nucleotide variant.
Coding change: c.1418T>C on transcript NM_024529.5 (MANE Select); coding-DNA position 1418, T replaced by C.
Protein change: p.Ile473Thr; replaces isoleucine 473 with threonine.
Molecular consequence: missense variant.
Genome position (GRCh38, 1-based): chr1:193,249,730, T>C. VCF-style: chr1-193249730-T-C. GRCh37 (hg19) VCF-style: chr1-193218860-T-C.
Other names: short protein forms I473T.
Identifiers: ClinVar variation 1772181 (VCV001772181.2), dbSNP rs2527523483, ClinGen allele CA344078335.